The following is an entry in ClinVar:

NM_004329.3(BMPR1A):c.356dup (p.Arg120fs)

Gene: BMPR1A (bone morphogenetic protein receptor type 1A; plus strand). Cytogenetic location: 10q23.2.
Variant type: Duplication.
Coding change: c.356dup on transcript NM_004329.3 (MANE Select); coding-DNA position 356, one base duplicated (G; older notation c.356dupG).
Protein change: p.Arg120fs; shifts the reading frame from arginine 120.
Molecular consequence: frameshift variant. On other transcripts: non-coding transcript variant (3), intron variant (1).
Genome position (GRCh38, 1-based): chr10:86,899,816, G duplicated. VCF-style (leftmost placement, unchanged base first): chr10-86899815-C-CG. GRCh37 (hg19) VCF-style: chr10-88659572-C-CG.
Other names: c.356dup, p.Arg120fs (NM_001406567.1, NM_001406568.1, NM_001406569.1 and 22 more transcripts); c.272dup, p.Arg92fs (NM_001406584.1, NM_001406585.1, NM_001406586.1 and 2 more transcripts); c.333+7587dup (NM_001406589.1); short protein forms R120fs, R92fs.
Identifiers: ClinVar variation 5042079 (VCV005042079.1).

ClinVar aggregate classification (germline): Pathogenic (1 of 4 stars; one submission).

Conditions:
Juvenile polyposis syndrome (JPS). Identifiers: Orphanet 2929, MedGen C0345893, MONDO:0017380, OMIM 174900.

Submission:

Myriad Genetics, Inc.
Classification: Pathogenic for Juvenile polyposis syndrome. Last evaluated: 2026-09-23. Review status: criteria provided, single submitter. Criteria: Myriad Autosomal Dominant, Autosomal Recessive and X-Linked Classification Criteria (2023). Collection method: clinical testing. Allele origin: unknown.
Comment: This variant is considered pathogenic. This variant creates a frameshift predicted to result in premature protein truncation.